The following is an entry in ClinVar:

ClinVar aggregate classification (germline): Conflicting classifications of pathogenicity. Review status: criteria provided, conflicting classifications (1 of 4 stars). 2 submissions from 2 submitters: Likely pathogenic (1); Uncertain significance (1). Last evaluated 2020-11-11.

Conditions:
Catecholaminergic polymorphic ventricular tachycardia 1. Also called: VENTRICULAR TACHYCARDIA, CATECHOLAMINERGIC POLYMORPHIC, 1, WITH OR WITHOUT ATRIAL DYSFUNCTION AND/OR DILATED CARDIOMYOPATHY; RYR2-Related Catecholaminergic Polymorphic Ventricular Tachycardia; VENTRICULAR TACHYCARDIA, STRESS-INDUCED POLYMORPHIC 1. Identifiers: Orphanet 3286, MedGen C1631597, MONDO:0011484, OMIM 604772.

Submissions (2):

GeneDx
Classification: Uncertain significance. Last evaluated: 2020-11-11. Review status: criteria provided, single submitter. Criteria: GeneDx Variant Classification Process June 2021. Collection method: clinical testing. Allele origin: germline. Affected: yes.
Comment: Has not been previously published as pathogenic or benign to our knowledge; In silico analysis, which includes protein predictors and evolutionary conservation, supports a deleterious effect; In-silico analysis, which includes splice predictors and evolutionary conservation, is inconclusive as to whether the variant alters gene splicing. In the absence of RNA/functional studies, the actual effect of this sequence change is unknown.; Not observed in large population cohorts (Lek et al., 2016)

MVZ Martinsried, Medicover Genetics
Classification: Likely pathogenic for Catecholaminergic polymorphic ventricular tachycardia 1. Last evaluated: 2019-06-25. Review status: criteria provided, single submitter. Criteria: ACMG Guidelines, 2015. Collection method: clinical testing. Allele origin: unknown. Affected: yes.

NM_001035.3(RYR2):c.12455T>A (p.Ile4152Asn)

Genes: RYR2 (ryanodine receptor 2; plus strand), LOC126806068 (BRD4-independent group 4 enhancer GRCh37_chr1:237947411-237948610; plus strand). Cytogenetic location: 1q43.
Variant type: single nucleotide variant.
Coding change: c.12455T>A on transcript NM_001035.3 (MANE Select); coding-DNA position 12455, T replaced by A.
Protein change: p.Ile4152Asn; replaces isoleucine 4152 with asparagine.
Molecular consequence: missense variant.
Genome position (GRCh38, 1-based): chr1:237,784,167, T>A. VCF-style: chr1-237784167-T-A. GRCh37 (hg19) VCF-style: chr1-237947467-T-A.
Other names: short protein forms I4152N.
Identifiers: ClinVar variation 869429 (VCV000869429.3), dbSNP rs1695358851, ClinGen allele CA345413323.